The following is an entry in ClinVar:

NM_014855.3(AP5Z1):c.238G>A (p.Glu80Lys)

Gene: AP5Z1 (adaptor related protein complex 5 subunit zeta 1; plus strand). Cytogenetic location: 7p22.1.
Variant type: single nucleotide variant.
Coding change: c.238G>A on transcript NM_014855.3 (MANE Select); coding-DNA position 238, G replaced by A.
Protein change: p.Glu80Lys; replaces glutamic acid 80 with lysine.
Molecular consequence: missense variant. On other transcripts: non-coding transcript variant (1), intron variant (1).
Genome position (GRCh38, 1-based): chr7:4,781,626, G>A. VCF-style: chr7-4781626-G-A. GRCh37 (hg19) VCF-style: chr7-4821257-G-A.
Other names: c.-103+314G>A (NM_001364858.1); short protein forms E80K.
Identifiers: ClinVar variation 911864 (VCV000911864.8), dbSNP rs199577559, ClinGen allele CA4137119.
Genomic context (GRCh38, chr7:4,781,626, plus strand): 5'-AGGCTGGAGAAGACATGCGTAGACCTGCTGCAGGCCACCCTCGGCCTGCCTGCATGCCCC[G>A]AGCAGCTCCAGGTGCTTTGCGCCGCCATCCTGCGAGAGATGTCCCCCTCTGACAGCCTCA-3'
Protein context (NP_055670.1, residues 70-90): QATLGLPACP[Glu80Lys]QLQVLCAAIL

ClinVar aggregate classification (germline): Uncertain significance. Review status: criteria provided, multiple submitters, no conflicts (2 of 4 stars). 3 submissions from 3 submitters: Uncertain significance (3). Last evaluated 2024-08-24.

Conditions:
Hereditary spastic paraplegia. Also called: Familial spastic paraparesis. Identifiers: Orphanet 685, MedGen C0037773, MONDO:0019064. Disease mechanism: loss of function.
Hereditary spastic paraplegia 48. Also called: Spastic paraplegia 48; SPASTIC PARAPLEGIA 48, AUTOSOMAL RECESSIVE. Identifiers: Orphanet 306511, MedGen C3150901, MONDO:0013342, OMIM 613647.

Allele frequency attached by ClinVar (database versions not stated): ExAC 0.00007; ESP Exome Variant Server 0.00016; TOPMed 0.00017; 1000 Genomes Project 30x 0.00031; 1000 Genomes Project 0.00040.

Submissions (3):

Labcorp Genetics (formerly Invitae), Labcorp
Classification: Uncertain significance for Hereditary spastic paraplegia 48. Last evaluated: 2024-08-24. Review status: criteria provided, single submitter. Criteria: Invitae Variant Classification Sherloc (09022015). Collection method: clinical testing. Allele origin: germline.
Comment: This sequence change replaces glutamic acid, which is acidic and polar, with lysine, which is basic and polar, at codon 80 of the AP5Z1 protein (p.Glu80Lys). This variant is present in population databases (rs199577559, gnomAD 0.09%). This variant has not been reported in the literature in individuals affected with AP5Z1-related conditions. ClinVar contains an entry for this variant (Variation ID: 911864). Invitae Evidence Modeling of protein sequence and biophysical properties (such as structural, functional, and spatial information, amino acid conservation, physicochemical variation, residue mobility, and thermodynamic stability) indicates that this missense variant is not expected to disrupt AP5Z1 protein function with a negative predictive value of 80%. In summary, the available evidence is currently insufficient to determine the role of this variant in disease. Therefore, it has been classified as a Variant of Uncertain Significance.

Genome Diagnostics Laboratory, The Hospital for Sick Children
Classification: Uncertain significance for Hereditary spastic paraplegia. Last evaluated: 2021-04-13. Review status: criteria provided, single submitter. Criteria: ACMG Guidelines, 2015. Collection method: clinical testing. Allele origin: germline. Affected: yes.

Illumina Laboratory Services, Illumina
Classification: Uncertain significance for Hereditary spastic paraplegia 48. Last evaluated: 2018-01-13. Review status: criteria provided, single submitter. Criteria: ICSL Variant Classification Criteria 13 December 2019. Collection method: clinical testing. Allele origin: germline.